The following is an entry in ClinVar:

ClinVar aggregate classification (germline): Uncertain significance (1 of 4 stars; one submission).

gnomAD v4.1: 3 of 1,613,808 alleles (0.00019%); highest among the groups gnomAD compares: Non-Finnish European, 0.00025%; no homozygotes.

Submission:

Labcorp Genetics (formerly Invitae), Labcorp
Classification: Uncertain significance. Last evaluated: 2025-11-09. Review status: criteria provided, single submitter. Criteria: Invitae Variant Classification Sherloc (09022015). Collection method: clinical testing. Allele origin: germline.
Comment: This sequence change replaces proline, which is neutral and non-polar, with serine, which is neutral and polar, at codon 411 of the TBX20 protein (p.Pro411Ser). This variant is not present in population databases (gnomAD no frequency). This variant has not been reported in the literature in individuals affected with TBX20-related conditions. ClinVar contains an entry for this variant (Variation ID: 1941527). An algorithm developed to predict the effect of missense changes on protein structure and function (PolyPhen-2) suggests that this variant is likely to be tolerated. In summary, the available evidence is currently insufficient to determine the role of this variant in disease. Therefore, it has been classified as a Variant of Uncertain Significance.

NM_001077653.2(TBX20):c.1231C>T (p.Pro411Ser)

Gene: TBX20 (T-box transcription factor 20; minus strand). Cytogenetic location: 7p14.2.
Variant type: single nucleotide variant.
Coding change: c.1231C>T on transcript NM_001077653.2 (MANE Select); coding-DNA position 1231, C replaced by T.
Protein change: p.Pro411Ser; replaces proline 411 with serine.
Molecular consequence: missense variant.
Genome position (GRCh38, 1-based): chr7:35,202,543, G>A on the plus strand (C>T on the coding strand, the complement: TBX20 is on the minus strand). VCF-style: chr7-35202543-G-A. GRCh37 (hg19) VCF-style: chr7-35242155-G-A.
Other names: short protein forms P411S.
Identifiers: ClinVar variation 1941527 (VCV001941527.5), dbSNP rs2546980873, ClinGen allele CA367262943.